The following is an entry in ClinVar:

ClinVar aggregate classification (germline): Uncertain significance (1 of 4 stars; one submission).

Conditions:
Charcot-Marie-Tooth disease axonal type 2V. Also called: CHARCOT-MARIE-TOOTH NEUROPATHY, TYPE 2V; CHARCOT-MARIE-TOOTH DISEASE, AXONAL, AUTOSOMAL DOMINANT, TYPE 2V. Identifiers: Orphanet 447964, MedGen C5569050, MONDO:0014665, OMIM 616491.
Mucopolysaccharidosis, MPS-III-B (MPS3B). Also called: MPS IIIB (Sanfilippo Syndrome Type B); N-ACETYL-ALPHA-D-GLUCOSAMINIDASE DEFICIENCY; NAGLU DEFICIENCY; MUCOPOLYSACCHARIDOSIS, TYPE IIIB; Mucopolysaccharidosis type IIIB (Sanfilippo B); SANFILIPPO SYNDROME B. Identifiers: Orphanet 79270, MedGen C0086648, MONDO:0009656, OMIM 252920.

Submission:

Labcorp Genetics (formerly Invitae), Labcorp
Classification: Uncertain significance for Charcot-Marie-Tooth disease axonal type 2V; Mucopolysaccharidosis, MPS-III-B. Last evaluated: 2021-09-21. Review status: criteria provided, single submitter. Criteria: Invitae Variant Classification Sherloc (09022015). Collection method: clinical testing. Allele origin: germline.
Comment: This variant, c.209_214dup, results in the insertion of 2 amino acid(s) to the NAGLU protein (p.Gly70_Gly71dup), but otherwise preserves the integrity of the reading frame. The frequency data for this variant in the population databases is considered unreliable, as metrics indicate insufficient coverage at this position in the ExAC database. This variant has not been reported in the literature in individuals affected with NAGLU-related conditions. Experimental studies and prediction algorithms are not available or were not evaluated, and the functional significance of this variant is currently unknown. In summary, the available evidence is currently insufficient to determine the role of this variant in disease. Therefore, it has been classified as a Variant of Uncertain Significance.

NM_000263.4(NAGLU):c.203GCG[6] (p.Gly70_Gly71dup)

Genes: NAGLU (N-acetyl-alpha-glucosaminidase; plus strand), LOC130060903 (ATAC-STARR-seq lymphoblastoid silent region 8533; plus strand). Cytogenetic location: 17q21.2.
Variant type: Microsatellite.
Coding change: c.203GCG[6] on transcript NM_000263.4 (MANE Select); six copies in a row of the 3-base unit GCG starting at c.203; the reference has four copies in a row; two copies, 6 bases duplicated.
Protein change: p.Gly70_Gly71dup.
Molecular consequence: inframe insertion.
Genome position (GRCh38, 1-based): chr17:42,536,481-42,536,486, GCGGCG duplicated; duplicating any 6 consecutive bases within chr17:42,536,474-42,536,486 gives the same sequence; the position shown is the placement nearest the transcript's 3' end. VCF-style (leftmost placement, unchanged base first): chr17-42536473-G-GGGCGGC. GRCh37 (hg19) VCF-style: chr17-40688491-G-GGGCGGC.
Identifiers: ClinVar variation 1380538 (VCV001380538.6), dbSNP rs1186888836, ClinGen allele CA2580613137.